The following is an entry in ClinVar:

ClinVar aggregate classification (germline): Uncertain significance (1 of 4 stars; one submission).

Conditions:
Hereditary cancer-predisposing syndrome. Also called: Hereditary Cancer Syndrome; Hereditary neoplastic syndrome; Neoplastic Syndromes, Hereditary; Tumor predisposition. Identifiers: Orphanet 140162, MedGen C0027672, MeSH D009386, MONDO:0015356.

Submission:

Ambry Genetics
Classification: Uncertain significance for Hereditary cancer-predisposing syndrome. Last evaluated: 2025-06-26. Review status: criteria provided, single submitter. Criteria: Ambry Variant Classification Scheme 2023. Collection method: clinical testing. Allele origin: germline.
Comment: The p.H618Y variant (also known as c.1852C>T), located in coding exon 15 of the EGFR gene, results from a C to T substitution at nucleotide position 1852. The histidine at codon 618 is replaced by tyrosine, an amino acid with similar properties. This amino acid position is conserved. In addition, this alteration is predicted to be tolerated by in silico analysis. Based on the available evidence, the clinical significance of this variant remains unclear.

NM_005228.5(EGFR):c.1852C>T (p.His618Tyr)

Gene: EGFR (epidermal growth factor receptor; plus strand). Cytogenetic location: 7p11.2.
Variant type: single nucleotide variant.
Coding change: c.1852C>T on transcript NM_005228.5 (MANE Select); coding-DNA position 1852, C replaced by T.
Protein change: p.His618Tyr; replaces histidine 618 with tyrosine.
Molecular consequence: missense variant.
Genome position (GRCh38, 1-based): chr7:55,165,409, C>T. VCF-style: chr7-55165409-C-T. GRCh37 (hg19) VCF-style: chr7-55233102-C-T.
Other names: c.1717C>T, p.His573Tyr (NM_001346897.2, NM_001346899.2); c.1852C>T, p.His618Tyr (NM_001346898.2, NM_201282.2, NM_201284.2); c.1693C>T, p.His565Tyr (NM_001346900.2); c.1051C>T, p.His351Tyr (NM_001346941.2); short protein forms H573Y, H351Y, H565Y, H618Y.
Identifiers: ClinVar variation 4247284 (VCV004247284.1).
Genomic context (GRCh38, chr7:55,165,409, plus strand): 5'-GGAGTCATGGGAGAAAACAACACCCTGGTCTGGAAGTACGCAGACGCCGGCCATGTGTGC[C>T]ACCTGTGCCATCCAAACTGCACCTACGGGTGAGTGGAAAGTGAAGGAGAACAGAACATTT-3'
Protein context (NP_005219.2, residues 608-628): WKYADAGHVC[His618Tyr]LCHPNCTYGC